The following is an entry in ClinVar:

ClinVar aggregate classification (germline): Likely benign (0 of 4 stars; one submission).

Conditions:
FGFR1-related disorder. Also called: FGFR1-related condition; FGFR1-related disorders. Identifiers: MedGen CN380097.

Allele frequency attached by ClinVar (database versions not stated): gnomAD exomes 0.00001.
gnomAD v4.1: 5 of 1,614,136 alleles (0.00031%); highest among the groups gnomAD compares: South Asian, 0.0055%; no homozygotes.

Submission:

PreventionGenetics, part of Exact Sciences
Classification: Likely benign for FGFR1-related condition. Last evaluated: 2021-02-26. Review status: no assertion criteria provided. Collection method: clinical testing. Allele origin: germline.
Comment: This variant is classified as likely benign based on ACMG/AMP sequence variant interpretation guidelines (Richards et al. 2015 PMID: 25741868, with internal and published modifications).

NM_023110.3(FGFR1):c.996C>T (p.Ser332=)

Gene: FGFR1 (fibroblast growth factor receptor 1; minus strand). Cytogenetic location: 8p11.23.
Variant type: single nucleotide variant.
Coding change: c.996C>T on transcript NM_023110.3 (MANE Select); coding-DNA position 996, C replaced by T.
Protein change: p.Ser332=; no amino-acid change (serine 332 retained).
Molecular consequence: synonymous variant.
Genome position (GRCh38, 1-based): chr8:38,421,882, G>A on the plus strand (C>T on the coding strand, the complement: FGFR1 is on the minus strand). VCF-style: chr8-38421882-G-A. GRCh37 (hg19) VCF-style: chr8-38279400-G-A.
Other names: c.996C>T, p.Ser332= (NM_000604.2, NM_001174063.2); c.972C>T, p.Ser324= (NM_001174064.2); c.990C>T, p.Ser330= (NM_001174065.2, NM_001354367.2, NM_001354369.2 and 2 more transcripts); c.729C>T, p.Ser243= (NM_001174066.2, NM_023105.3); c.1089C>T, p.Ser363= (NM_001174067.2); c.723C>T, p.Ser241= (NM_001354368.2, NM_001354370.2, NM_023106.3).
Identifiers: ClinVar variation 3030346 (VCV003030346.2), dbSNP rs2150756520, ClinGen allele CA460398273.